The following is an entry in ClinVar:

ClinVar aggregate classification (germline): Pathogenic/Likely pathogenic. Review status: criteria provided, multiple submitters, no conflicts (2 of 4 stars). 5 submissions from 4 submitters: Pathogenic (3); Likely pathogenic (1). 1 of the submissions does not count toward it. Last evaluated 2025-10-26.

Conditions:
Hypokalemic periodic paralysis, type 1. Also called: Hypokalemic Periodic Paralysis Type 1 (AD); HypoPP. Identifiers: Orphanet 681, MedGen C3714580, MONDO:0042979, OMIM 170400.
Malignant hyperthermia, susceptibility to, 5 (MHS5). Also called: CACNA1S-Related Malignant Hyperthermia Susceptibility. Identifiers: Orphanet 423, MedGen C1866077, MONDO:0011163, OMIM 601887.
Thyrotoxic periodic paralysis, susceptibility to, 1 (TTPP1). Identifiers: Orphanet 79102, MedGen C2749982, MONDO:0008570, OMIM 188580.

Allele frequency attached by ClinVar (database versions not stated): gnomAD exomes below 0.00001 and 0.00001; ExAC 0.00001; gnomAD 0.00001; 1000 Genomes Project 30x 0.00016.
gnomAD v4.1: 7 of 1,614,146 alleles (0.00043%); highest among the groups gnomAD compares: South Asian, 0.0011%; no homozygotes.

Submissions (5):

Labcorp Genetics (formerly Invitae), Labcorp
Classification: Pathogenic for Hypokalemic periodic paralysis, type 1; Malignant hyperthermia, susceptibility to, 5. Last evaluated: 2025-10-26. Review status: criteria provided, single submitter. Criteria: Invitae Variant Classification Sherloc (09022015). Collection method: clinical testing. Allele origin: germline.
Comment: This sequence change creates a premature translational stop signal (p.Arg412*) in the CACNA1S gene. It is expected to result in an absent or disrupted protein product. Loss-of-function variants in CACNA1S are known to be pathogenic (PMID: 26247046, 28012042). The frequency data for this variant in the population databases is considered unreliable, as metrics indicate poor data quality at this position in the gnomAD database. This variant has not been reported in the literature in individuals affected with CACNA1S-related conditions. ClinVar contains an entry for this variant (Variation ID: 1452647). For these reasons, this variant has been classified as Pathogenic.

Genome-Nilou Lab
Classification: Pathogenic for Malignant hyperthermia, susceptibility to, 5. Last evaluated: 2023-04-11. Review status: criteria provided, single submitter. Criteria: ACMG Guidelines, 2015. Collection method: clinical testing. Allele origin: germline. Affected: no.

Genome-Nilou Lab
Classification: Pathogenic for Hypokalemic periodic paralysis, type 1. Last evaluated: 2023-04-11. Review status: criteria provided, single submitter. Criteria: ACMG Guidelines, 2015. Collection method: clinical testing. Allele origin: germline. Affected: no.

Fulgent Genetics
Classification: Likely pathogenic for Hypokalemic periodic paralysis, type 1; Thyrotoxic periodic paralysis, susceptibility to, 1; Malignant hyperthermia, susceptibility to, 5. Last evaluated: 2022-05-25. Review status: criteria provided, single submitter. Criteria: ACMG Guidelines, 2015. Collection method: clinical testing. Allele origin: unknown.

All of Us Research Program, National Institutes of Health
Classification: Uncertain significance for Malignant hyperthermia, susceptibility to, 5. Last evaluated: 2023-02-24. Review status: flagged submission. Criteria: ACMG Guidelines, 2015. Collection method: clinical testing. Allele origin: germline. Inheritance: Autosomal dominant inheritance. Observed: 1 variant allele, 1 heterozygote. Not counted in ClinVar's aggregate classification.
Comment: This variant changes 1 nucleotide in exon 10 of the CACNA1S gene, creating a premature translation stop signal. This variant is expected to result in an absent or non-functional protein product. To our knowledge, this variant has not been reported in individuals affected with CACNA1S-related disorders in the literature. This variant has been identified in 2/282624 chromosomes in the general population by the Genome Aggregation Database (gnomAD). Loss of CACNA1S gene function due to truncation variants is not an established disease mechanism for autosomal dominant malignant hyperthermia, although it is associated with other phenotype(s) (ClinVar Variation ID: 1452647). Due to insufficient evidence, this variant is classified as a Variant of Uncertain Significance for autosomal dominant malignant hyperthermia.

This study involves interpretation of variants in research participants for the purpose of population health screening. Participant phenotype was not available at the time of variant classification. Additional details can be found in publication PMID: 35346344, PMCID: PMC8962531
ClinVar note: Reason: Outlier claim with insufficient supporting evidence

Literature cited by the submitters: PubMed 26247046 (cited by Labcorp Genetics (formerly Invitae), Labcorp); PubMed 28012042 (cited by Labcorp Genetics (formerly Invitae), Labcorp).

NM_000069.3(CACNA1S):c.1234C>T (p.Arg412Ter)

Gene: CACNA1S (calcium voltage-gated channel subunit alpha1 S; minus strand). Cytogenetic location: 1q32.1.
Variant type: single nucleotide variant.
Coding change: c.1234C>T on transcript NM_000069.3 (MANE Select); coding-DNA position 1234, C replaced by T.
Protein change: p.Arg412Ter; replaces arginine 412 with a stop codon.
Molecular consequence: nonsense.
Genome position (GRCh38, 1-based): chr1:201,083,321, G>A on the plus strand (C>T on the coding strand, the complement: CACNA1S is on the minus strand). VCF-style: chr1-201083321-G-A. GRCh37 (hg19) VCF-style: chr1-201052449-G-A.
Other names: short protein forms R412*.
Identifiers: ClinVar variation 1452647 (VCV001452647.9), dbSNP rs767052156, ClinGen allele CA078080.